The following is an entry in ClinVar:

NM_001114753.3(ENG):c.778dup (p.Ser260fs)

Gene: ENG (endoglin; minus strand). Cytogenetic location: 9q34.11.
Variant type: Duplication.
Coding change: c.778dup on transcript NM_001114753.3 (MANE Select); coding-DNA position 778, one base duplicated (T; older notation c.778dupT).
Protein change: p.Ser260fs; shifts the reading frame from serine 260.
Molecular consequence: frameshift variant.
Genome position (GRCh38, 1-based): chr9:127,825,269, A duplicated on the plus strand (T on the coding strand, the reverse complement: ENG is on the minus strand). VCF-style (leftmost placement, unchanged base first): chr9-127825268-G-GA. GRCh37 (hg19) VCF-style: chr9-130587547-G-GA.
Other names: c.778dup, p.Ser260Phefs (NM_000118.4, NM_001406715.1); c.232dup, p.Ser78fs (NM_001278138.2); short protein forms S260fs, S78fs.
Identifiers: ClinVar variation 1452159 (VCV001452159.8), dbSNP rs2131887737, ClinGen allele CA2573143976.

ClinVar aggregate classification (germline): Pathogenic (1 of 4 stars; one submission).

Conditions:
Hereditary hemorrhagic telangiectasia (HHT). Also called: ORW DISEASE; Osler Weber Rendu syndrome; OSLER-RENDU-WEBER DISEASE; Osler hemorrhagic telangiectasia syndrome. Identifiers: Orphanet 774, MedGen C0039445, MONDO:0019180. Disease mechanism: loss of function.

Submission:

Labcorp Genetics (formerly Invitae), Labcorp
Classification: Pathogenic for Hereditary hemorrhagic telangiectasia. Last evaluated: 2025-11-09. Review status: criteria provided, single submitter. Criteria: Invitae Variant Classification Sherloc (09022015). Collection method: clinical testing. Allele origin: germline.
Comment: This sequence change creates a premature translational stop signal (p.Ser260Phefs*74) in the ENG gene. It is expected to result in an absent or disrupted protein product. Loss-of-function variants in ENG are known to be pathogenic (PMID: 15879500). This variant is not present in population databases (gnomAD no frequency). This variant has not been reported in the literature in individuals affected with ENG-related conditions. ClinVar contains an entry for this variant (Variation ID: 1452159). For these reasons, this variant has been classified as Pathogenic.

Literature cited by the submitters: PubMed 15879500.